The following is an entry in ClinVar:

ClinVar aggregate classification (germline): Uncertain significance (1 of 4 stars; one submission).

Conditions:
Arrhythmogenic right ventricular dysplasia 8 (ARVD8). Also called: Arrhythmogenic Right Ventricular Dysplasia/Cardiomyopathy 8; ARRHYTHMOGENIC RIGHT VENTRICULAR DYSPLASIA, FAMILIAL, 8; ARRHYTHMOGENIC RIGHT VENTRICULAR CARDIOMYOPATHY 8. Identifiers: MedGen C1843896, MONDO:0011831, OMIM 607450.
Arrhythmogenic cardiomyopathy with wooly hair and keratoderma. Also called: Carvajal syndrome; Dilated cardiomyopathy with woolly hair and keratoderma; Arrhythmogenic cardiomyopathy with woolly hair and keratoderma; PALMOPLANTAR KERATODERMA WITH LEFT VENTRICULAR CARDIOMYOPATHY AND WOOLLY HAIR. Identifiers: Orphanet 65282, MedGen C1854063, MONDO:0011581, OMIM 605676.

Submission:

Labcorp Genetics (formerly Invitae), Labcorp
Classification: Uncertain significance for Arrhythmogenic cardiomyopathy with wooly hair and keratoderma; Arrhythmogenic right ventricular dysplasia 8. Last evaluated: 2025-04-06. Review status: criteria provided, single submitter. Criteria: Invitae Variant Classification Sherloc (09022015). Collection method: clinical testing. Allele origin: germline.
Comment: This sequence change replaces arginine, which is basic and polar, with threonine, which is neutral and polar, at codon 141 of the DSP protein (p.Arg141Thr). This variant also falls at the last nucleotide of exon 3, which is part of the consensus splice site for this exon. This variant is not present in population databases (gnomAD no frequency). This variant has not been reported in the literature in individuals affected with DSP-related conditions. ClinVar contains an entry for this variant (Variation ID: 572009). An algorithm developed to predict the effect of missense changes on protein structure and function (PolyPhen-2) suggests that this variant is likely to be tolerated. Variants that disrupt the consensus splice site are a relatively common cause of aberrant splicing (PMID: 17576681, 9536098). Algorithms developed to predict the effect of sequence changes on RNA splicing suggest that this variant may disrupt the consensus splice site. In summary, the available evidence is currently insufficient to determine the role of this variant in disease. Therefore, it has been classified as a Variant of Uncertain Significance.

Literature cited by the submitters: PubMed 17576681; PubMed 9536098.

NM_004415.4(DSP):c.422G>C (p.Arg141Thr)

Gene: DSP (desmoplakin; plus strand). Cytogenetic location: 6p24.3.
Variant type: single nucleotide variant.
Coding change: c.422G>C on transcript NM_004415.4 (MANE Select); coding-DNA position 422, G replaced by C.
Protein change: p.Arg141Thr; replaces arginine 141 with threonine.
Molecular consequence: missense variant.
Genome position (GRCh38, 1-based): chr6:7,558,264, G>C. VCF-style: chr6-7558264-G-C. GRCh37 (hg19) VCF-style: chr6-7558497-G-C.
Other names: c.422G>C, p.Arg141Thr (NM_001008844.3, NM_001319034.2); c.422G>C (LRG_423t1); short protein forms R141T.
Identifiers: ClinVar variation 572009 (VCV000572009.9), dbSNP rs969373062, ClinGen allele CA362671453.
Genomic context (GRCh38, chr6:7,558,264, plus strand): 5'-TCGACAGCTTGATCAGAGAGATGCGGCAGATGGGCCAGCCCTGTGATGCTTACCAGAAAA[G>C]GTATTGTCCACAGAGCATGGATCGGGCAGTCCCCATGAAAAAGAACACCACATAACCAGT-3'
Protein context (NP_004406.2, residues 131-151): MGQPCDAYQK[Arg141Thr]LLQLQEQMRA